The following is an entry in ClinVar:

NM_000018.4(ACADVL):c.1238T>C (p.Ile413Thr)

Gene: ACADVL (acyl-CoA dehydrogenase very long chain; plus strand). Cytogenetic location: 17p13.1.
Variant type: single nucleotide variant.
Coding change: c.1238T>C on transcript NM_000018.4 (MANE Select); coding-DNA position 1238, T replaced by C.
Protein change: p.Ile413Thr; replaces isoleucine 413 with threonine.
Molecular consequence: missense variant.
Genome position (GRCh38, 1-based): chr17:7,223,699, T>C. VCF-style: chr17-7223699-T-C. GRCh37 (hg19) VCF-style: chr17-7127018-T-C.
Other names: c.1172T>C, p.Ile391Thr (NM_001033859.3); c.1307T>C, p.Ile436Thr (NM_001270447.2); c.1010T>C, p.Ile337Thr (NM_001270448.2); short protein forms I337T, I391T, I413T, I436T.
Identifiers: ClinVar variation 2680183 (VCV002680183.4), dbSNP rs775980475, ClinGen allele CA8338044.

ClinVar aggregate classification (germline): Likely pathogenic. Review status: criteria provided, multiple submitters, no conflicts (2 of 4 stars). 2 submissions from 2 submitters: Likely pathogenic (2). Last evaluated 2024-07-08.

Conditions:
Very long chain acyl-CoA dehydrogenase deficiency (ACADVLD). Also called: VLCAD Deficiency; Very Long-Chain Acyl-Coenzyme A Dehydrogenase Deficiency. Identifiers: Orphanet 26793, MedGen C3887523, MONDO:0008723, OMIM 201475.

Allele frequency attached by ClinVar (database versions not stated): gnomAD exomes below 0.00001; ExAC 0.00001.
gnomAD v4.1: 5 of 1,614,050 alleles (0.00031%); highest among the groups gnomAD compares: South Asian, 0.0011%; no homozygotes.

Submissions (2):

Labcorp Genetics (formerly Invitae), Labcorp
Classification: Likely pathogenic for Very long chain acyl-CoA dehydrogenase deficiency. Last evaluated: 2024-07-08. Review status: criteria provided, single submitter. Criteria: Invitae Variant Classification Sherloc (09022015). Collection method: clinical testing. Allele origin: germline.
Comment: This sequence change replaces isoleucine, which is neutral and non-polar, with threonine, which is neutral and polar, at codon 413 of the ACADVL protein (p.Ile413Thr). This variant is present in population databases (rs775980475, gnomAD 0.0009%). This missense change has been observed in individual(s) with very long-chain acyl-CoA dehydrogenase deficiency (PMID: 30950014, 35281659). Advanced modeling of protein sequence and biophysical properties (such as structural, functional, and spatial information, amino acid conservation, physicochemical variation, residue mobility, and thermodynamic stability) performed at Invitae indicates that this missense variant is expected to disrupt ACADVL protein function with a positive predictive value of 95%. Experimental studies have shown that this missense change affects ACADVL function (PMID: 33150772). In summary, the currently available evidence indicates that the variant is pathogenic, but additional data are needed to prove that conclusively. Therefore, this variant has been classified as Likely Pathogenic.

Baylor Genetics
Classification: Likely pathogenic for Very long chain acyl-CoA dehydrogenase deficiency. Last evaluated: 2023-09-19. Review status: criteria provided, single submitter. Criteria: ACMG Guidelines, 2015. Collection method: clinical testing. Allele origin: unknown.

Literature cited by the submitters: PubMed 30950014 (cited by Labcorp Genetics (formerly Invitae), Labcorp); PubMed 35281659 (cited by Labcorp Genetics (formerly Invitae), Labcorp); PubMed 33150772 (cited by Labcorp Genetics (formerly Invitae), Labcorp).